The following is an entry in ClinVar:

ClinVar aggregate classification (germline): Uncertain significance (1 of 4 stars; one submission).

Conditions:
Inborn genetic diseases. Identifiers: MedGen C0950123, MeSH D030342.

Allele frequency attached by ClinVar (database versions not stated): TOPMed below 0.00001.

Submission:

Ambry Genetics
Classification: Uncertain significance for Inborn genetic diseases. Last evaluated: 2023-12-05. Review status: criteria provided, single submitter. Criteria: Ambry Variant Classification Scheme 2023. Collection method: clinical testing. Allele origin: germline.
Comment: The p.C128Y variant (also known as c.383G>A), located in coding exon 4 of the MDH2 gene, results from a G to A substitution at nucleotide position 383. The cysteine at codon 128 is replaced by tyrosine, an amino acid with highly dissimilar properties. This amino acid position is conserved. In addition, this alteration is predicted to be deleterious by in silico analysis. Since supporting evidence is limited at this time, the clinical significance of this alteration remains unclear.

NM_005918.4(MDH2):c.383G>A (p.Cys128Tyr)

Gene: MDH2 (malate dehydrogenase 2; plus strand). Cytogenetic location: 7q11.23.
Variant type: single nucleotide variant.
Coding change: c.383G>A on transcript NM_005918.4 (MANE Select); coding-DNA position 383, G replaced by A.
Protein change: p.Cys128Tyr; replaces cysteine 128 with tyrosine.
Molecular consequence: missense variant.
Genome position (GRCh38, 1-based): chr7:76,058,032, G>A. VCF-style: chr7-76058032-G-A. GRCh37 (hg19) VCF-style: chr7-75687350-G-A.
Other names: c.383G>A, p.Cys128Tyr (NM_001282403.2); c.62G>A, p.Cys21Tyr (NM_001282404.2); short protein forms C128Y, C21Y.
Identifiers: ClinVar variation 1735418 (VCV001735418.2), dbSNP rs1797836396, ClinGen allele CA367764347.